The following is an entry in ClinVar:

ClinVar aggregate classification (germline): Uncertain significance. Review status: criteria provided, multiple submitters, no conflicts (2 of 4 stars). 4 submissions from 4 submitters: Uncertain significance (4). Last evaluated 2024-08-08.

Allele frequency attached by ClinVar (database versions not stated): gnomAD exomes 0.00001; ExAC 0.00006; 1000 Genomes Project 30x 0.00016; TOPMed 0.00018; 1000 Genomes Project 0.00020; gnomAD 0.00029; ESP Exome Variant Server 0.00038.
gnomAD v4.1: 39 of 1,543,506 alleles (0.0025%); highest among the groups gnomAD compares: African/African-American, 0.061%; no homozygotes.

Submissions (4):

Athena Diagnostics
Classification: Uncertain significance. Last evaluated: 2024-08-08. Review status: criteria provided, single submitter. Criteria: Athena Diagnostics Criteria. Collection method: clinical testing. Allele origin: unknown.
Comment: Available data are insufficient to determine the clinical significance of the variant at this time. The frequency of this variant in the general population is uninformative in assessment of its pathogenicity. Polyphen and MutationTaster predict this amino acid change may be benign.

Mayo Clinic Laboratories, Mayo Clinic
Classification: Uncertain significance. Last evaluated: 2024-06-10. Review status: criteria provided, single submitter. Criteria: ACMG Guidelines, 2015. Collection method: clinical testing. Allele origin: germline. Observed: 1 variant allele.
Comment: BP4

Blueprint Genetics
Classification: Uncertain significance. Last evaluated: 2024-01-04. Review status: criteria provided, single submitter. Criteria: ACMG Guidelines, 2015. Collection method: clinical testing. Allele origin: germline.

Labcorp Genetics (formerly Invitae), Labcorp
Classification: Uncertain significance. Last evaluated: 2021-11-13. Review status: criteria provided, single submitter. Criteria: Invitae Variant Classification Sherloc (09022015). Collection method: clinical testing. Allele origin: germline.
Comment: This sequence change replaces valine, which is neutral and non-polar, with isoleucine, which is neutral and non-polar, at codon 126 of the TTPA protein (p.Val126Ile). This variant is present in population databases (rs138483857, gnomAD 0.07%). This variant has not been reported in the literature in individuals affected with TTPA-related conditions. Algorithms developed to predict the effect of missense changes on protein structure and function output the following: SIFT: "Deleterious"; PolyPhen-2: "Benign"; Align-GVGD: "Class C25". The isoleucine amino acid residue is found in multiple mammalian species, which suggests that this missense change does not adversely affect protein function. In summary, the available evidence is currently insufficient to determine the role of this variant in disease. Therefore, it has been classified as a Variant of Uncertain Significance.

NM_000370.3(TTPA):c.376G>A (p.Val126Ile)

Gene: TTPA (alpha tocopherol transfer protein; minus strand). Cytogenetic location: 8q12.3.
Variant type: single nucleotide variant.
Coding change: c.376G>A on transcript NM_000370.3 (MANE Select); coding-DNA position 376, G replaced by A.
Protein change: p.Val126Ile; replaces valine 126 with isoleucine.
Molecular consequence: missense variant.
Genome position (GRCh38, 1-based): chr8:63,066,080, C>T on the plus strand (G>A on the coding strand, the complement: TTPA is on the minus strand). VCF-style: chr8-63066080-C-T. GRCh37 (hg19) VCF-style: chr8-63978639-C-T.
Other names: p.Val126Ile; c.376G>A, p.Val126Ile (NM_001413416.1); c.493G>A, p.Val165Ile (NM_001413418.1); short protein forms V165I, V126I.
Identifiers: ClinVar variation 2199030 (VCV002199030.4), dbSNP rs138483857, ClinGen allele CA4763248.
Genomic context (GRCh38, chr8:63,066,080, plus strand): 5'-CCTGTACAATAAGCTCGGATGTGATTAGACTTACTCGAAATACGTCATAAGCTGTAAAAA[C>T]TTTGGGGTCCCAGTGTGCTAAAAAAAATAAAGCATATCATATCTTAGCATTGTGTAAAAA-3'
Protein context (NP_000361.1, residues 116-136): IYRIAHWDPK[Val126Ile]FTAYDVFRVS